The following is an entry in ClinVar:

NM_018718.3(CEP41):c.1081T>C (p.Ser361Pro)

Gene: CEP41 (centrosomal protein 41; minus strand). Cytogenetic location: 7q32.2.
Variant type: single nucleotide variant.
Coding change: c.1081T>C on transcript NM_018718.3 (MANE Select); coding-DNA position 1081, T replaced by C.
Protein change: p.Ser361Pro; replaces serine 361 with proline.
Molecular consequence: missense variant. On other transcripts: non-coding transcript variant (1).
Genome position (GRCh38, 1-based): chr7:130,398,932, A>G on the plus strand (T>C on the coding strand, the complement: CEP41 is on the minus strand). VCF-style: chr7-130398932-A-G. GRCh37 (hg19) VCF-style: chr7-130038773-A-G.
Other names: c.865T>C, p.Ser289Pro (NM_001257158.2); c.817T>C, p.Ser273Pro (NM_001257159.2); short protein forms S361P, S273P, S289P.
Identifiers: ClinVar variation 128704 (VCV000128704.10), dbSNP rs587780311, ClinGen allele CA231012.
Genomic context (GRCh38, chr7:130,398,932, plus strand): 5'-CCTAAGTGAGACAAAGTCTTTACTTCCAGGGTTTGCCTTGCAGGTGACCACTGCTGAGGG[A>G]GCGGGGGTTTGAGTGGCTGGCGGGGCCGCCACCTGGCAGATTCTGAGCGCTTCGGGCACC-3'
Protein context (NP_061188.1, residues 351-371): GGPASHSNPR[Ser361Pro]LSSGHLQGKP

ClinVar aggregate classification (germline): Uncertain significance. Review status: criteria provided, multiple submitters, no conflicts (2 of 4 stars). 5 submissions from 5 submitters: Uncertain significance (5). Last evaluated 2023-11-27.

Conditions:
Joubert syndrome 15 (JBTS15). Identifiers: Orphanet 475, MedGen C3280897, MONDO:0013763, OMIM 614464.

Allele frequency attached by ClinVar (database versions not stated): gnomAD 0.00001; gnomAD exomes 0.00001 and 0.00005; TOPMed 0.00001; ExAC 0.00001.
gnomAD v4.1: 77 of 1,614,066 alleles (0.0048%); highest among the groups gnomAD compares: Middle Eastern, 0.16%; no homozygotes.

Submissions (5):

Labcorp Genetics (formerly Invitae), Labcorp
Classification: Uncertain significance for Joubert syndrome 15. Last evaluated: 2023-11-27. Review status: criteria provided, single submitter. Criteria: Invitae Variant Classification Sherloc (09022015). Collection method: clinical testing. Allele origin: germline.
Comment: This sequence change replaces serine, which is neutral and polar, with proline, which is neutral and non-polar, at codon 361 of the CEP41 protein (p.Ser361Pro). This variant is present in population databases (rs587780311, gnomAD 0.003%). This variant has not been reported in the literature in individuals affected with CEP41-related conditions. ClinVar contains an entry for this variant (Variation ID: 128704). Advanced modeling of protein sequence and biophysical properties (such as structural, functional, and spatial information, amino acid conservation, physicochemical variation, residue mobility, and thermodynamic stability) performed at Invitae indicates that this missense variant is not expected to disrupt CEP41 protein function with a negative predictive value of 80%. In summary, the available evidence is currently insufficient to determine the role of this variant in disease. Therefore, it has been classified as a Variant of Uncertain Significance.

Blueprint Genetics
Classification: Uncertain significance. Last evaluated: 2022-08-09. Review status: criteria provided, single submitter. Criteria: ACMG Guidelines, 2015. Collection method: clinical testing. Allele origin: germline.

GeneDx
Classification: Uncertain significance. Last evaluated: 2016-05-20. Review status: criteria provided, single submitter. Criteria: GeneDx Variant Classification (06012015). Collection method: clinical testing. Allele origin: germline. Affected: yes.
Comment: The S361P variant has not been published as a pathogenic variant, nor has it been reported as a benign variant to our knowledge. It was not observed in approximately 6,500 individuals of European and African American ancestry in the NHLBI Exome Sequencing Project, indicating it is not a common benign variant in these populations. The S361P variant is a non-conservative amino acid substitution, which is likely to impact secondary protein structure as these residues differ in polarity, charge, size and/or other properties. However, this substitution occurs at a position that is not conserved. In silico analysis is inconsistent in its predictions as to whether or not the variant is damaging to the protein structure/function. Therefore, based on the currently available information, it is unclear whether this variant is a pathogenic variant or a rare benign variant.

Genetic Services Laboratory, University of Chicago
Classification: Uncertain significance. Last evaluated: 2013-07-03. Review status: criteria provided, single submitter. Criteria: ACMG Guidelines, 2007. Collection method: clinical testing. Allele origin: germline. Inheritance: Autosomal recessive inheritance.

Breakthrough Genomics
Classification: Uncertain significance. Review status: criteria provided, single submitter. Criteria: ACMG Guidelines, 2015. Collection method: not provided. Allele origin: germline. Inheritance: Autosomal recessive inheritance. Affected: yes.